The following is an entry in ClinVar:

NM_004525.3(LRP2):c.2435G>A (p.Arg812Lys)

Gene: LRP2 (LDL receptor related protein 2; minus strand). Cytogenetic location: 2q31.1.
Variant type: single nucleotide variant.
Coding change: c.2435G>A on transcript NM_004525.3 (MANE Select); coding-DNA position 2435, G replaced by A.
Protein change: p.Arg812Lys; replaces arginine 812 with lysine.
Molecular consequence: missense variant.
Genome position (GRCh38, 1-based): chr2:169,259,103, C>T on the plus strand (G>A on the coding strand, the complement: LRP2 is on the minus strand). VCF-style: chr2-169259103-C-T. GRCh37 (hg19) VCF-style: chr2-170115613-C-T.
Other names: short protein forms R812K.
Identifiers: ClinVar variation 893655 (VCV000893655.9), dbSNP rs376367082, ClinGen allele CA1955299.

ClinVar aggregate classification (germline): Uncertain significance. Review status: criteria provided, multiple submitters, no conflicts (2 of 4 stars). 4 submissions from 4 submitters: Uncertain significance (4). Last evaluated 2025-11-23.

Conditions:
Inborn genetic diseases. Identifiers: MedGen C0950123, MeSH D030342.
Donnai-Barrow syndrome. Also called: DBS/FOAR SYNDROME; FACIOOCULOACOUSTICORENAL SYNDROME. Identifiers: Orphanet 2143, MedGen C1857277, MONDO:0009104, OMIM 222448.

Allele frequency attached by ClinVar (database versions not stated): TOPMed 0.00003; gnomAD 0.00005 and 0.00006; gnomAD exomes 0.00005 and 0.00017; ExAC 0.00007; ESP Exome Variant Server 0.00008.
gnomAD v4.1: 250 of 1,613,104 alleles (0.015%); highest among the groups gnomAD compares: Non-Finnish European, 0.02%; no homozygotes.

Submissions (4):

Ambry Genetics
Classification: Uncertain significance for Inborn genetic diseases. Last evaluated: 2025-11-23. Review status: criteria provided, single submitter. Criteria: Ambry Variant Classification Scheme 2023. Collection method: clinical testing. Allele origin: germline.

Labcorp Genetics (formerly Invitae), Labcorp
Classification: Uncertain significance. Last evaluated: 2022-04-21. Review status: criteria provided, single submitter. Criteria: Invitae Variant Classification Sherloc (09022015). Collection method: clinical testing. Allele origin: germline.
Comment: This sequence change replaces arginine, which is basic and polar, with lysine, which is basic and polar, at codon 812 of the LRP2 protein (p.Arg812Lys). This variant is present in population databases (rs376367082, gnomAD 0.02%). This variant has not been reported in the literature in individuals affected with LRP2-related conditions. ClinVar contains an entry for this variant (Variation ID: 893655). Advanced modeling of protein sequence and biophysical properties (such as structural, functional, and spatial information, amino acid conservation, physicochemical variation, residue mobility, and thermodynamic stability) performed at Invitae indicates that this missense variant is not expected to disrupt LRP2 protein function. In summary, the available evidence is currently insufficient to determine the role of this variant in disease. Therefore, it has been classified as a Variant of Uncertain Significance.

Fulgent Genetics
Classification: Uncertain significance for Donnai-Barrow syndrome. Last evaluated: 2021-08-11. Review status: criteria provided, single submitter. Criteria: ACMG Guidelines, 2015. Collection method: clinical testing. Allele origin: unknown.

Illumina Laboratory Services, Illumina
Classification: Uncertain significance for Donnai-Barrow syndrome. Last evaluated: 2018-01-12. Review status: criteria provided, single submitter. Criteria: ICSL Variant Classification Criteria 13 December 2019. Collection method: clinical testing. Allele origin: germline.